The following is an entry in ClinVar:

ClinVar aggregate classification (germline): Uncertain significance. Review status: criteria provided, multiple submitters, no conflicts (2 of 4 stars). 2 submissions from 2 submitters: Uncertain significance (2). Last evaluated 2024-11-04.

Conditions:
Inborn genetic diseases. Identifiers: MedGen C0950123, MeSH D030342.

Submissions (2):

Labcorp Genetics (formerly Invitae), Labcorp
Classification: Uncertain significance. Last evaluated: 2024-11-04. Review status: criteria provided, single submitter. Criteria: Invitae Variant Classification Sherloc (09022015). Collection method: clinical testing. Allele origin: germline.
Comment: This sequence change replaces alanine, which is neutral and non-polar, with threonine, which is neutral and polar, at codon 409 of the BRD4 protein (p.Ala409Thr). This variant is not present in population databases (gnomAD no frequency). This variant has not been reported in the literature in individuals affected with BRD4-related conditions. ClinVar contains an entry for this variant (Variation ID: 3134969). Invitae Evidence Modeling of protein sequence and biophysical properties (such as structural, functional, and spatial information, amino acid conservation, physicochemical variation, residue mobility, and thermodynamic stability) indicates that this missense variant is not expected to disrupt BRD4 protein function with a negative predictive value of 80%. In summary, the available evidence is currently insufficient to determine the role of this variant in disease. Therefore, it has been classified as a Variant of Uncertain Significance.

Ambry Genetics
Classification: Uncertain significance for Inborn genetic diseases. Last evaluated: 2023-10-10. Review status: criteria provided, single submitter. Criteria: Ambry Variant Classification Scheme 2023. Collection method: clinical testing. Allele origin: germline.

NM_001379291.1(BRD4):c.1225G>A (p.Ala409Thr)

Gene: BRD4 (bromodomain containing 4; minus strand). Cytogenetic location: 19p13.12.
Variant type: single nucleotide variant.
Coding change: c.1225G>A on transcript NM_001379291.1 (MANE Select); coding-DNA position 1225, G replaced by A.
Protein change: p.Ala409Thr; replaces alanine 409 with threonine.
Molecular consequence: missense variant.
Genome position (GRCh38, 1-based): chr19:15,263,536, C>T on the plus strand (G>A on the coding strand, the complement: BRD4 is on the minus strand). VCF-style: chr19-15263536-C-T. GRCh37 (hg19) VCF-style: chr19-15374347-C-T.
Other names: c.1225G>A, p.Ala409Thr (NM_001330384.2, NM_001379292.1, NM_014299.3 and 1 more transcripts); short protein forms A409T.
Identifiers: ClinVar variation 3134969 (VCV003134969.3), dbSNP rs375995069, ClinGen allele CA305774297.